The following is an entry in ClinVar:

ClinVar aggregate classification (germline): Uncertain significance (1 of 4 stars; one submission).

Conditions:
Inborn genetic diseases. Identifiers: MedGen C0950123, MeSH D030342.

Submission:

Ambry Genetics
Classification: Uncertain significance for Inborn genetic diseases. Last evaluated: 2025-12-29. Review status: criteria provided, single submitter. Criteria: Ambry Variant Classification Scheme 2023. Collection method: clinical testing. Allele origin: germline.
Comment: The p.S384R variant (also known as c.1152T>A), located in coding exon 12 of the ASXL1 gene, results from a T to A substitution at nucleotide position 1152. The serine at codon 384 is replaced by arginine, an amino acid with dissimilar properties. This amino acid position is conserved. In addition, this alteration is predicted to be tolerated by in silico analysis. Based on the available evidence, the clinical significance of this variant remains unclear.

NM_015338.6(ASXL1):c.1152T>A (p.Ser384Arg)

Gene: ASXL1 (ASXL transcriptional regulator 1; plus strand). Cytogenetic location: 20q11.21.
Variant type: single nucleotide variant.
Coding change: c.1152T>A on transcript NM_015338.6 (MANE Select); coding-DNA position 1152, T replaced by A.
Protein change: p.Ser384Arg; replaces serine 384 with arginine.
Molecular consequence: missense variant.
Genome position (GRCh38, 1-based): chr20:32,433,350, T>A. VCF-style: chr20-32433350-T-A. GRCh37 (hg19) VCF-style: chr20-31021153-T-A.
Other names: c.969T>A, p.Ser323Arg (NM_001363734.1); short protein forms S323R, S384R.
Identifiers: ClinVar variation 4843659 (VCV004843659.1).